The following is an entry in ClinVar:

NM_000138.5(FBN1):c.3145G>A (p.Gly1049Ser)

Gene: FBN1 (fibrillin 1; minus strand). Cytogenetic location: 15q21.1.
Variant type: single nucleotide variant.
Coding change: c.3145G>A on transcript NM_000138.5 (MANE Select); coding-DNA position 3145, G replaced by A.
Protein change: p.Gly1049Ser; replaces glycine 1049 with serine.
Molecular consequence: missense variant.
Genome position (GRCh38, 1-based): chr15:48,488,431, C>T on the plus strand (G>A on the coding strand, the complement: FBN1 is on the minus strand). VCF-style: chr15-48488431-C-T. GRCh37 (hg19) VCF-style: chr15-48780628-C-T.
Other names: short protein forms G1049S.
Identifiers: ClinVar variation 457190 (VCV000457190.25), dbSNP rs778181932, ClinGen allele CA049951.

ClinVar aggregate classification (germline): Conflicting classifications of pathogenicity. Review status: criteria provided, conflicting classifications (1 of 4 stars). 10 submissions from 10 submitters: Likely pathogenic (1); Uncertain significance (7). 2 of the submissions do not count toward it. Last evaluated 2026-01-04.

Conditions:
Progeroid and marfanoid aspect-lipodystrophy syndrome. Also called: MARFANOID-PROGEROID SYNDROME; MARFAN-PROGEROID-LIPODYSTROPHY SYNDROME; Marfan lipodystrophy syndrome; MARFANOID-PROGEROID-LIPODYSTROPHY SYNDROME. Identifiers: Orphanet 300382, MedGen C4310796, MONDO:0014831, OMIM 616914.
Marfan syndrome (MFS). Also called: MARFAN SYNDROME, TYPE I; FBN1-Related Marfan Syndrome; Marfan syndrome type 1; Marfan's syndrome; Marfan syndrome, classic. Identifiers: Orphanet 284963, Orphanet 558, MedGen C0024796, MONDO:0007947, OMIM 154700.
Familial thoracic aortic aneurysm and aortic dissection (TAAD). Also called: Thoracic aortic aneurysms and dissections. Identifiers: Orphanet 91387, MedGen C4707243, MONDO:0019625.

Allele frequency attached by ClinVar (database versions not stated): ExAC 0.00001; gnomAD 0.00003 and 0.00004; gnomAD exomes 0.00002; TOPMed 0.00003.
gnomAD v4.1: 42 of 1,614,026 alleles (0.0026%); highest among the groups gnomAD compares: Admixed American, 0.0033%; no homozygotes.

Submissions (10):

Labcorp Genetics (formerly Invitae), Labcorp
Classification: Likely pathogenic for Marfan syndrome; Familial thoracic aortic aneurysm and aortic dissection. Last evaluated: 2026-01-04. Review status: criteria provided, single submitter. Criteria: Invitae Variant Classification Sherloc (09022015). Collection method: clinical testing. Allele origin: germline.
Comment: This sequence change replaces glycine, which is neutral and non-polar, with serine, which is neutral and polar, at codon 1049 of the FBN1 protein (p.Gly1049Ser). This variant is present in population databases (rs778181932, gnomAD 0.006%). This missense change has been observed in individual(s) with aortic root aneurysm (internal data). ClinVar contains an entry for this variant (Variation ID: 457190). Invitae Evidence Modeling of protein sequence and biophysical properties (such as structural, functional, and spatial information, amino acid conservation, physicochemical variation, residue mobility, and thermodynamic stability) indicates that this missense variant is expected to disrupt FBN1 protein function with a positive predictive value of 95%. This variant disrupts the p.Gly1049 amino acid residue in FBN1. Other variant(s) that disrupt this residue have been determined to be pathogenic (internal data). This suggests that this residue is clinically significant, and that variants that disrupt this residue are likely to be disease-causing. In summary, the currently available evidence indicates that the variant is pathogenic, but additional data are needed to prove that conclusively. Therefore, this variant has been classified as Likely Pathogenic.

Ambry Genetics
Classification: Uncertain significance for Familial thoracic aortic aneurysm and aortic dissection. Last evaluated: 2025-12-18. Review status: criteria provided, single submitter. Criteria: Ambry Variant Classification Scheme 2023. Collection method: clinical testing. Allele origin: germline.
Comment: The p.G1049S variant (also known as c.3145G>A), located in coding exon 25 of the FBN1 gene, results from a G to A substitution at nucleotide position 3145. The glycine at codon 1049 is replaced by serine, an amino acid with similar properties. This amino acid position is highly conserved in available vertebrate species. In addition, this alteration is predicted to be deleterious by in silico analysis. Based on the available evidence, the clinical significance of this variant remains unclear.

All of Us Research Program, National Institutes of Health
Classification: Uncertain significance for Marfan syndrome. Last evaluated: 2024-09-11. Review status: criteria provided, single submitter. Criteria: ACMG Guidelines, 2015. Collection method: clinical testing. Allele origin: germline. Inheritance: Autosomal dominant inheritance. Observed: 15 variant alleles, 15 heterozygotes.
Comment: This missense variant replaces glycine with serine at codon 1049 of the FBN1 protein. Computational prediction suggests that this variant may have deleterious impact on protein structure and function (internally defined REVEL score threshold >= 0.7, PMID: 27666373). To our knowledge, functional studies have not been reported for this variant. This variant has not been reported in individuals affected with cardiovascular disorders in the literature. This variant has been identified in 5/282892 chromosomes in the general population by the Genome Aggregation Database (gnomAD). The available evidence is insufficient to determine the role of this variant in disease conclusively. Therefore, this variant is classified as a Variant of Uncertain Significance.

This study involves interpretation of variants in research participants for the purpose of population health screening. Participant phenotype was not available at the time of variant classification. Additional details can be found in publication PMID: 35346344, PMCID: PMC8962531

Color Diagnostics, LLC DBA Color Health
Classification: Uncertain significance for Familial thoracic aortic aneurysm and aortic dissection. Last evaluated: 2023-10-12. Review status: criteria provided, single submitter. Criteria: ACMG Guidelines, 2015. Collection method: clinical testing. Allele origin: germline.
Comment: This missense variant replaces glycine with serine at codon 1049 of the FBN1 protein. Computational prediction suggests that this variant may have deleterious impact on protein structure and function (internally defined REVEL score threshold >= 0.7, PMID: 27666373). To our knowledge, functional studies have not been reported for this variant. This variant has not been reported in individuals affected with FBN1-related disorders in the literature. This variant has been identified in 5/282892 chromosomes in the general population by the Genome Aggregation Database (gnomAD). The available evidence is insufficient to determine the role of this variant in disease conclusively. Therefore, this variant is classified as a Variant of Uncertain Significance.

Women's Health and Genetics/Laboratory Corporation of America, LabCorp
Classification: Uncertain significance. Last evaluated: 2023-07-10. Review status: criteria provided, single submitter. Criteria: LabCorp Variant Classification Summary - May 2015. Collection method: clinical testing. Allele origin: germline.
Comment: Variant summary: FBN1 c.3145G>A (p.Gly1049Ser) results in a non-conservative amino acid change located in the EGF-like domain (IPR000742) of the encoded protein sequence. Four of five in-silico tools predict a damaging effect of the variant on protein function. The variant allele was found at a frequency of 1.6e-05 in 251486 control chromosomes (gnomAD). The available data on variant occurrences in the general population are insufficient to allow any conclusion about variant significance. To our knowledge, no occurrence of c.3145G>A in individuals affected with Marfan Syndrome and no experimental evidence demonstrating its impact on protein function have been reported. Three ClinVar submitters have assessed the variant since 2014: two classified the variant as uncertain significance and one as likely pathogenic. Based on the evidence outlined above, the variant was classified as uncertain significance.

Laboratory for Molecular Medicine, Mass General Brigham Personalized Medicine
Classification: Uncertain significance. Last evaluated: 2023-03-09. Review status: criteria provided, single submitter. Criteria: ACMG Guidelines, 2015. Collection method: clinical testing. Allele origin: germline. Inheritance: Autosomal dominant inheritance.
Comment: The p.Gly1049Ser variant in FBN1 has not been previously reported in individuals with Marfan syndrome or familial thoracic aortic aneurysm and was absent from large population studies. This variant has also been reported in ClinVar (Variation ID 457190). Computational prediction tools and conservation analyses suggest that this variant may impact the protein, though this information is not predictive enough to determine pathogenicity. One variant involving this codon (p.Gly1049Asp) has been identified in individuals with Marfan syndrome or thoracic aortic aneurysm and dissection. In summary, the clinical significance of this variant is uncertain. ACMG/AMP Criteria applied: PP3.

Blueprint Genetics
Classification: Uncertain significance. Last evaluated: 2022-01-14. Review status: criteria provided, single submitter. Criteria: ACMG Guidelines, 2015. Collection method: clinical testing. Allele origin: germline.

Centre for Mendelian Genomics, University Medical Centre Ljubljana
Classification: Uncertain significance for Progeroid and marfanoid aspect-lipodystrophy syndrome. Last evaluated: 2019-05-10. Review status: criteria provided, single submitter. Criteria: ACMG Guidelines, 2015. Collection method: clinical testing. Allele origin: unknown. Affected: yes.
Comment: This variant was classified as: Uncertain significance. The available evidence on this variant's pathogenicity is insufficient or conflicting. The following ACMG criteria were applied in classifying this variant: PM1,,PM5,PP3.

Clinical Genetics DNA and cytogenetics Diagnostics Lab, Erasmus MC, Erasmus Medical Center
Classification: Uncertain significance. Review status: no assertion criteria provided. Collection method: clinical testing. Allele origin: germline. Affected: yes. Study: VKGL Data-share Consensus. Not counted in ClinVar's aggregate classification.

Genome Diagnostics Laboratory, University Medical Center Utrecht
Classification: Uncertain significance. Review status: no assertion criteria provided. Collection method: clinical testing. Allele origin: germline. Affected: yes. Study: VKGL Data-share Consensus. Not counted in ClinVar's aggregate classification.